The following is an entry in ClinVar:

NM_001170700.3(DTHD1):c.1219-17T>C

Gene: DTHD1 (death domain containing 1; plus strand). Cytogenetic location: 4p14.
Variant type: single nucleotide variant.
Coding change: c.1219-17T>C on transcript NM_001170700.3 (MANE Select); 17 bases into the intron before coding-DNA position 1219, T replaced by C.
Molecular consequence: intron variant.
Genome position (GRCh38, 1-based): chr4:36,293,509, T>C. VCF-style: chr4-36293509-T-C. GRCh37 (hg19) VCF-style: chr4-36295131-T-C.
Other names: c.349-17T>C (NM_001136536.5); c.349-80T>C (NM_001378435.1).
Identifiers: ClinVar variation 2156755 (VCV002156755.5), dbSNP rs1475018553, ClinGen allele CA551141831.

ClinVar aggregate classification (germline): Conflicting classifications of pathogenicity. Review status: criteria provided, conflicting classifications (1 of 4 stars). 2 submissions from 2 submitters: Uncertain significance (1); Likely benign (1). Last evaluated 2022-03-25.

Allele frequency attached by ClinVar (database versions not stated): gnomAD 0.00001; gnomAD exomes 0.00001; TOPMed 0.00002.
gnomAD v4.1: 14 of 1,479,748 alleles (0.00095%); highest among the groups gnomAD compares: Non-Finnish European, 0.0012%; no homozygotes.

Submissions (2):

Blueprint Genetics
Classification: Likely benign. Last evaluated: 2022-03-25. Review status: criteria provided, single submitter. Criteria: ACMG Guidelines, 2015. Collection method: clinical testing. Allele origin: germline.

Labcorp Genetics (formerly Invitae), Labcorp
Classification: Uncertain significance. Last evaluated: 2022-03-14. Review status: criteria provided, single submitter. Criteria: Invitae Variant Classification Sherloc (09022015). Collection method: clinical testing. Allele origin: germline.
Comment: In summary, the available evidence is currently insufficient to determine the role of this variant in disease. Therefore, it has been classified as a Variant of Uncertain Significance. Algorithms developed to predict the effect of sequence changes on RNA splicing suggest that this variant may disrupt the consensus splice site. This variant has not been reported in the literature in individuals affected with DTHD1-related conditions. This variant is present in population databases (no rsID available, gnomAD 0.004%). This sequence change falls in intron 2 of the DTHD1 gene. It does not directly change the encoded amino acid sequence of the DTHD1 protein.